The following is an entry in ClinVar:

ClinVar aggregate classification (germline): Uncertain significance (1 of 4 stars; one submission).

Submission:

Labcorp Genetics (formerly Invitae), Labcorp
Classification: Uncertain significance. Last evaluated: 2024-04-30. Review status: criteria provided, single submitter. Criteria: Invitae Variant Classification Sherloc (09022015). Collection method: clinical testing. Allele origin: germline.
Comment: This sequence change replaces alanine, which is neutral and non-polar, with valine, which is neutral and non-polar, at codon 68 of the MNX1 protein (p.Ala68Val). The frequency data for this variant in the population databases is considered unreliable, as metrics indicate insufficient coverage at this position in the gnomAD database. This variant has not been reported in the literature in individuals affected with MNX1-related conditions. Advanced modeling of protein sequence and biophysical properties (such as structural, functional, and spatial information, amino acid conservation, physicochemical variation, residue mobility, and thermodynamic stability) performed at Invitae indicates that this missense variant is not expected to disrupt MNX1 protein function with a negative predictive value of 80%. In summary, the available evidence is currently insufficient to determine the role of this variant in disease. Therefore, it has been classified as a Variant of Uncertain Significance.

NM_005515.4(MNX1):c.203C>T (p.Ala68Val)

Gene: MNX1 (motor neuron and pancreas homeobox 1; minus strand). Cytogenetic location: 7q36.3.
Variant type: single nucleotide variant.
Coding change: c.203C>T on transcript NM_005515.4 (MANE Select); coding-DNA position 203, C replaced by T.
Protein change: p.Ala68Val; replaces alanine 68 with valine.
Molecular consequence: missense variant.
Genome position (GRCh38, 1-based): chr7:157,010,148, G>A on the plus strand (C>T on the coding strand, the complement: MNX1 is on the minus strand). VCF-style: chr7-157010148-G-A. GRCh37 (hg19) VCF-style: chr7-156802842-G-A.
Other names: short protein forms A68V.
Identifiers: ClinVar variation 3683752 (VCV003683752.2).